The following is an entry in ClinVar:

ClinVar aggregate classification (germline): Uncertain significance (1 of 4 stars; one submission).

Conditions:
Dilated cardiomyopathy 1O (CMD1O). Also called: CARDIOMYOPATHY, DILATED, WITH VENTRICULAR TACHYCARDIA. Identifiers: Orphanet 154, MedGen C1837839, MONDO:0012062, OMIM 608569.

Submission:

Labcorp Genetics (formerly Invitae), Labcorp
Classification: Uncertain significance for Dilated cardiomyopathy 1O. Last evaluated: 2026-01-07. Review status: criteria provided, single submitter. Criteria: Invitae Variant Classification Sherloc (09022015). Collection method: clinical testing. Allele origin: germline.
Comment: This sequence change replaces histidine, which is basic and polar, with leucine, which is neutral and non-polar, at codon 1106 of the ABCC9 protein (p.His1106Leu). This variant is not present in population databases (gnomAD no frequency). This variant has not been reported in the literature in individuals affected with ABCC9-related conditions. An algorithm developed to predict the effect of missense changes on protein structure and function (PolyPhen-2) suggests that this variant is likely to be tolerated. In summary, the available evidence is currently insufficient to determine the role of this variant in disease. Therefore, it has been classified as a Variant of Uncertain Significance.

NM_020297.4(ABCC9):c.3317A>T (p.His1106Leu)

Gene: ABCC9 (ATP binding cassette subfamily C member 9; minus strand). Cytogenetic location: 12p12.1.
Variant type: single nucleotide variant.
Coding change: c.3317A>T on transcript NM_020297.4 (MANE Select); coding-DNA position 3317, A replaced by T.
Protein change: p.His1106Leu; replaces histidine 1106 with leucine.
Molecular consequence: missense variant.
Genome position (GRCh38, 1-based): chr12:21,842,470, T>A on the plus strand (A>T on the coding strand, the complement: ABCC9 is on the minus strand). VCF-style: chr12-21842470-T-A. GRCh37 (hg19) VCF-style: chr12-21995404-T-A.
Other names: c.3317A>T, p.His1106Leu (NM_001377273.1, NM_005691.4); c.2450A>T, p.His817Leu (NM_001377274.1); short protein forms H817L, H1106L.
Identifiers: ClinVar variation 4734470 (VCV004734470.1).